The following is an entry in ClinVar:

NM_001276270.2(MBD4):c.563T>C (p.Val188Ala)

Gene: MBD4 (methyl-CpG binding domain 4, DNA glycosylase; minus strand). Cytogenetic location: 3q21.3.
Variant type: single nucleotide variant.
Coding change: c.563T>C on transcript NM_001276270.2 (MANE Select); coding-DNA position 563, T replaced by C.
Protein change: p.Val188Ala; replaces valine 188 with alanine.
Molecular consequence: missense variant. On other transcripts: intron variant (1).
Genome position (GRCh38, 1-based): chr3:129,437,081, A>G on the plus strand (T>C on the coding strand, the complement: MBD4 is on the minus strand). VCF-style: chr3-129437081-A-G. GRCh37 (hg19) VCF-style: chr3-129155924-A-G.
Other names: c.563T>C, p.Val188Ala (NM_001276271.2, NM_001276272.2, NM_003925.3); c.247+727T>C (NM_001276273.2); short protein forms V188A.
Identifiers: ClinVar variation 2697832 (VCV002697832.3), dbSNP rs2530722639, ClinGen allele CA354467752.

ClinVar aggregate classification (germline): Uncertain significance (1 of 4 stars; one submission).

Submission:

Labcorp Genetics (formerly Invitae), Labcorp
Classification: Uncertain significance. Last evaluated: 2023-11-21. Review status: criteria provided, single submitter. Criteria: Invitae Variant Classification Sherloc (09022015). Collection method: clinical testing. Allele origin: germline.
Comment: This sequence change replaces valine, which is neutral and non-polar, with alanine, which is neutral and non-polar, at codon 188 of the MBD4 protein (p.Val188Ala). This variant is not present in population databases (gnomAD no frequency). This variant has not been reported in the literature in individuals affected with MBD4-related conditions. Algorithms developed to predict the effect of missense changes on protein structure and function output the following: SIFT: "Not Available"; PolyPhen-2: "Benign"; Align-GVGD: "Not Available". The alanine amino acid residue is found in multiple mammalian species, which suggests that this missense change does not adversely affect protein function. In summary, the available evidence is currently insufficient to determine the role of this variant in disease. Therefore, it has been classified as a Variant of Uncertain Significance.